The following is an entry in ClinVar:

ClinVar aggregate classification (germline): Conflicting classifications of pathogenicity. Review status: criteria provided, conflicting classifications (1 of 4 stars). 25 submissions from 24 submitters: Uncertain significance (16); Benign (1); Likely benign (6). 2 of the submissions do not count toward it. Last evaluated 2026-01-20.

Conditions:
ATM-related disorder. Also called: ATM-related disorders; ATM-related condition.
Hereditary cancer-predisposing syndrome. Also called: Tumor predisposition; Hereditary neoplastic syndrome; Neoplastic Syndromes, Hereditary; Hereditary Cancer Syndrome. Identifiers: Orphanet 140162, MedGen C0027672, MeSH D009386, MONDO:0015356.
Familial cancer of breast. Also called: Hereditary breast cancer; hereditary breast carcinoma; BREAST CANCER, FAMILIAL. Identifiers: Orphanet 227535, MedGen C0346153, MONDO:0016419, OMIM 114480. Disease mechanism: loss of function.
Ataxia-telangiectasia syndrome (AT). Also called: LOUIS-BAR SYNDROME; Ataxia-telangiectasia; Ataxia telangiectasia (A-T); Cerebello-oculocutaneous telangiectasia; Immunodeficiency with ataxia telangiectasia; Ataxia-telangiectasia, complementation group D. Identifiers: Orphanet 100, MedGen C0004135, MONDO:0008840, OMIM 208900.

Allele frequency attached by ClinVar (database versions not stated): gnomAD 0.00001 and 0.00003; TOPMed 0.00006; ExAC 0.00007; gnomAD exomes 0.00007 and 0.00010; ESP Exome Variant Server 0.00008; 1000 Genomes Project 30x 0.00031; 1000 Genomes Project 0.00040.
gnomAD v4.1: 105 of 1,614,208 alleles (0.0065%); highest among the groups gnomAD compares: Middle Eastern, 0.016%; no homozygotes.

Submissions 1 to 14 of 25:

Labcorp Genetics (formerly Invitae), Labcorp
Classification: Likely benign for Ataxia-telangiectasia syndrome. Last evaluated: 2026-01-20. Review status: criteria provided, single submitter. Criteria: Invitae Variant Classification Sherloc (09022015). Collection method: clinical testing. Allele origin: germline.

Women's Health and Genetics/Laboratory Corporation of America, LabCorp
Classification: Likely benign. Last evaluated: 2025-12-08. Review status: criteria provided, single submitter. Criteria: LabCorp Variant Classification Summary - May 2015. Collection method: clinical testing. Allele origin: germline.
Comment: Variant summary: ATM c.1444A>C (p.Lys482Gln) results in a conservative amino acid change in the encoded protein sequence. Algorithms developed to predict the effect of missense changes on protein structure and function all suggest that this variant is likely to be tolerated. The variant allele was found at a frequency of 9.5e-05 in 251370 control chromosomes, predominantly at a frequency of 0.00019 within the Non-Finnish European subpopulation in the gnomAD database. The observed variant frequency within Non-Finnish European control individuals in the gnomAD database exceeds the estimated maximal expected allele frequency for disease-causing variants in ATM. c.1444A>C has been observed in individuals affected with various types of cancer (HBOC, colorectal cancer, Mullerian adenosarcoma) without strong evidence for causality (Cock-Rada_2017, Yurgelun_2017, Howitt_2019, Tsaousis_2019, Urbina-Jara_2019, Mandelker_2017, Nunziato_2022). These reports do not provide unequivocal conclusions about association of the variant with Breast Cancer. Co-occurrences with other pathogenic variant(s) have been reported (MUTYH c.849+3A>C, Nunziato_2022). To our knowledge, no experimental evidence demonstrating an impact on protein function has been reported. The following publications have been ascertained in the context of this evaluation (PMID: 28528518, 25231023, 28873162, 36035419, 31159747, 31658756, 28135145). ClinVar contains an entry for this variant (Variation ID: 127338). Based on the evidence outlined above, the variant was classified as likely benign.

CeGaT Center for Human Genetics Tuebingen
Classification: Uncertain significance. Last evaluated: 2025-11-01. Review status: criteria provided, single submitter. Criteria: CeGaT Center For Human Genetics Tuebingen Variant Classification Criteria Version 2. Collection method: clinical testing. Allele origin: germline. Affected: yes. Observed: 1 variant allele.

Genetic Services Laboratory, University of Chicago
Classification: Uncertain significance. Last evaluated: 2025-07-01. Review status: criteria provided, single submitter. Criteria: ACMG Guidelines, 2015. Collection method: clinical testing. Allele origin: germline.
Comment: The c.1444A>C variant: Results in an amino acid change, p.Lys482Gln. Has been reported in individuals with breast, ovarian, and/or colorectal cancer (PMID: 28135145, 28528518, 33471991, 28779002, 34371384, 34399810) and has also been reported in healthy controls (PMID: 33471991, 28779002). Is reported in the gnomAD v4 database with a frequency of 0.007% in the global population (dbSNP rs202173660). Affects a moderately conserved amino acid residue located in a domain of the ATM protein that is known to be functional. Appears to have contradictory results by in-silico pathogenicity prediction tools. ClinVar contains an entry for this variant (Variation ID: 127338). Due to insufficient evidence and the lack of functional studies, the clinical significance of the p.Lys482Gln variant remains unknown at this time.

PreventionGenetics, part of Exact Sciences
Classification: Likely benign for ATM-related condition. Last evaluated: 2025-05-20. Review status: criteria provided, single submitter. Criteria: ACMG Guidelines, 2015. Collection method: clinical testing. Allele origin: germline.
Comment: This variant is classified as likely benign based on ACMG/AMP sequence variant interpretation guidelines (Richards et al. 2015 PMID: 25741868, with internal and published modifications).

Quest Diagnostics Nichols Institute San Juan Capistrano
Classification: Benign. Last evaluated: 2025-03-07. Review status: criteria provided, single submitter. Criteria: Quest Diagnostics criteria. Collection method: clinical testing. Allele origin: unknown.

Center for Genomic Medicine, Rigshospitalet, Copenhagen University Hospital
Classification: Uncertain significance. Last evaluated: 2025-03-04. Review status: criteria provided, single submitter. Criteria: ACMG Guidelines, 2015. Collection method: clinical testing. Allele origin: germline.

Blueprint Genetics
Classification: Uncertain significance. Last evaluated: 2024-11-07. Review status: criteria provided, single submitter. Criteria: ACMG Guidelines, 2015. Collection method: clinical testing. Allele origin: germline.

Institute for Biomarker Research, Medical Diagnostic Laboratories, L.L.C.
Classification: Uncertain significance for Hereditary cancer-predisposing syndrome. Last evaluated: 2024-10-15. Review status: criteria provided, single submitter. Criteria: ACMG Guidelines, 2015. Collection method: clinical testing. Allele origin: germline.
Comment: The missense variant NM_000051.4(ATM):c.1444A>C (p.Lys482Gln) has not been reported previously as a pathogenic variant nor as a benign variant, to our knowledge. The variant is observed in one or more well-documented healthy adults. There is a small physicochemical difference between lysine and glutamine, which is not likely to impact secondary protein structure as these residues share similar properties. The gene ATM has a low rate of benign missense variation as indicated by a high missense variants Z-Score of 2.52. The gene ATM contains 170 pathogenic missense variants, indicating that missense variants are a common mechanism of disease in this gene. The p.Lys482Gln missense variant is predicted to be damaging by both SIFT and PolyPhen2. The nucleotide c.1444 in ATM is predicted conserved by GERP++ and PhyloP across 100 vertebrates. For these reasons, this variant has been classified as Uncertain Significance.

Department of Human Genetics, Hannover Medical School
Classification: Uncertain significance for Familial cancer of breast. Last evaluated: 2024-06-20. Review status: criteria provided, single submitter. Criteria: ACMG Guidelines, 2015. Collection method: clinical testing. Allele origin: germline. Inheritance: Autosomal dominant inheritance. Affected: yes.

GeneDx
Classification: Uncertain significance. Last evaluated: 2024-06-12. Review status: criteria provided, single submitter. Criteria: GeneDx Variant Classification Process June 2021. Collection method: clinical testing. Allele origin: germline. Affected: yes.
Comment: In silico analysis indicates that this missense variant does not alter protein structure/function; Observed in individuals with breast and colon cancers, as well both cases and controls in a breast cancer study (PMID: 28779002, 28135145, 25186627, 29522266, 34326862, 34399810, 34371384, 33471991, 36035419); This variant is associated with the following publications: (PMID: 28779002, 25231023, 25528188, 28528518, 28135145, 25186627, 28873162, 29522266, 28652578, 31159747, 31658756, 34399810, 34371384, 34803902, 36035419, 33471991, 34326862, 36980780)

Molecular Pathology, Peter Maccallum Cancer Centre
Classification: Uncertain significance for Ataxia-telangiectasia syndrome. Last evaluated: 2024-03-27. Review status: criteria provided, single submitter. Criteria: ACMG Guidelines, 2015. Collection method: clinical testing. Allele origin: germline. Inheritance: Autosomal recessive inheritance.

Baylor Genetics
Classification: Uncertain significance for Familial cancer of breast. Last evaluated: 2023-10-10. Review status: criteria provided, single submitter. Criteria: ACMG Guidelines, 2015. Collection method: clinical testing. Allele origin: unknown.

Myriad Genetics, Inc.
Classification: Likely benign for Familial cancer of breast. Last evaluated: 2023-04-03. Review status: criteria provided, single submitter. Criteria: Myriad Autosomal Dominant, Autosomal Recessive and X-Linked Classification Criteria (2023). Collection method: clinical testing. Allele origin: unknown.
Comment: This variant is considered likely benign. This variant is strongly associated with less severe personal and family histories of cancer, typical for individuals without pathogenic variants in this gene [PMID: 25085752].

NM_000051.4(ATM):c.1444A>C (p.Lys482Gln)

Gene: ATM (ATM serine/threonine kinase; plus strand). Cytogenetic location: 11q22.3.
Variant type: single nucleotide variant.
Coding change: c.1444A>C on transcript NM_000051.4 (MANE Select); coding-DNA position 1444, A replaced by C.
Protein change: p.Lys482Gln; replaces lysine 482 with glutamine.
Molecular consequence: missense variant.
Genome position (GRCh38, 1-based): chr11:108,250,909, A>C. VCF-style: chr11-108250909-A-C. GRCh37 (hg19) VCF-style: chr11-108121636-A-C.
Other names: p.K482Q:AAA>CAA; c.1444A>C, p.Lys482Gln (NM_001351834.2); short protein forms K482Q.
Identifiers: ClinVar variation 127338 (VCV000127338.56), dbSNP rs202173660, ClinGen allele CA286729.